The following is an entry in ClinVar:

NM_001267550.2(TTN):c.107261G>A (p.Arg35754Lys)

Genes: TTN (titin; minus strand), TTN-AS1 (TTN antisense RNA 1; plus strand). Cytogenetic location: 2q31.2.
Variant type: single nucleotide variant.
Coding change: c.107261G>A on transcript NM_001267550.2 (MANE Select); coding-DNA position 107261, G replaced by A.
Protein change: p.Arg35754Lys; replaces arginine 35754 with lysine.
Molecular consequence: missense variant.
Genome position (GRCh38, 1-based): chr2:178,528,390, C>T on the plus strand (G>A on the coding strand, the complement: TTN is on the minus strand). VCF-style: chr2-178528390-C-T. GRCh37 (hg19) VCF-style: chr2-179393117-C-T.
Other names: c.102338G>A, p.Arg34113Lys (NM_001256850.1); c.80066G>A, p.Arg26689Lys (NM_003319.4); c.99557G>A, p.Arg33186Lys (NM_133378.4); c.80441G>A, p.Arg26814Lys (NM_133432.3); c.80642G>A, p.Arg26881Lys (NM_133437.4); short protein forms R26689K, R35754K, R26881K, R33186K, R26814K, R34113K.
Identifiers: ClinVar variation 2953998 (VCV002953998.3), dbSNP rs1687469924, ClinGen allele CA349401464.

ClinVar aggregate classification (germline): Uncertain significance (1 of 4 stars; one submission).

Conditions:
Autosomal recessive limb-girdle muscular dystrophy type 2J (LGMDR10). Also called: Limb-girdle muscular dystrophy, type 2J; MUSCULAR DYSTROPHY, LIMB-GIRDLE, AUTOSOMAL RECESSIVE 10. Identifiers: Orphanet 140922, MedGen C1837342, MONDO:0012127, OMIM 608807.
Dilated cardiomyopathy 1G (CMD1G). Identifiers: Orphanet 154, MedGen C1858763, MONDO:0011400, OMIM 604145.

Allele frequency attached by ClinVar (database versions not stated): gnomAD exomes below 0.00001.
gnomAD v4.1: 2 of 1,613,948 alleles (0.00012%); highest among the groups gnomAD compares: Non-Finnish European, 0.00017%; no homozygotes.

Submission:

Labcorp Genetics (formerly Invitae), Labcorp
Classification: Uncertain significance for Dilated cardiomyopathy 1G; Autosomal recessive limb-girdle muscular dystrophy type 2J. Last evaluated: 2025-02-10. Review status: criteria provided, single submitter. Criteria: Invitae Variant Classification Sherloc (09022015). Collection method: clinical testing. Allele origin: germline.
Comment: This sequence change replaces arginine, which is basic and polar, with lysine, which is basic and polar, at codon 35754 of the TTN protein (p.Arg35754Lys). This variant is not present in population databases (gnomAD no frequency). This variant has not been reported in the literature in individuals affected with TTN-related conditions. ClinVar contains an entry for this variant (Variation ID: 2953998). An algorithm developed to predict the effect of missense changes on protein structure and function outputs the following: PolyPhen-2: "Not Available". The lysine amino acid residue is found in multiple mammalian species, which suggests that this missense change does not adversely affect protein function. This variant is located in the M band of TTN (PMID: 25589632). Non-truncating variants in this region may be relevant for neuromuscular disorders, but have not been definitively shown to cause cardiomyopathy (PMID: 23975875). In summary, the available evidence is currently insufficient to determine the role of this variant in disease. Therefore, it has been classified as a Variant of Uncertain Significance.

Literature cited by the submitters: PubMed 25589632; PubMed 23975875.